The following is an entry in ClinVar:

NM_139343.3(BIN1):c.1226C>T (p.Thr409Met)

Gene: BIN1 (bridging integrator 1; minus strand). Cytogenetic location: 2q14.3.
Variant type: single nucleotide variant.
Coding change: c.1226C>T on transcript NM_139343.3 (MANE Select); coding-DNA position 1226, C replaced by T.
Protein change: p.Thr409Met; replaces threonine 409 with methionine.
Molecular consequence: missense variant. On other transcripts: intron variant (12).
Genome position (GRCh38, 1-based): chr2:127,053,918, G>A on the plus strand (C>T on the coding strand, the complement: BIN1 is on the minus strand). VCF-style: chr2-127053918-G-A. GRCh37 (hg19) VCF-style: chr2-127811494-G-A.
Other names: c.1133C>T, p.Thr378Met (NM_001320641.2); c.1145C>T, p.Thr382Met (NM_001320642.1); c.1097C>T, p.Thr366Met (NM_139344.3); c.838-3006C>T (NM_001320634.1); c.910-3006C>T (NM_139351.3); c.910-2675C>T (NM_139350.3); c.910-1556C>T (NM_139349.3); c.1039-2675C>T (NM_139348.3); and 7 more; short protein forms T382M, T366M, T378M, T409M.
Identifiers: ClinVar variation 1395800 (VCV001395800.6), dbSNP rs754678339, ClinGen allele CA1857161.

ClinVar aggregate classification (germline): Uncertain significance (1 of 4 stars; one submission).

Conditions:
Myopathy, centronuclear, 2 (CNM2). Also called: MYOTUBULAR MYOPATHY, AUTOSOMAL RECESSIVE. Identifiers: Orphanet 169186, MedGen CN031787, MONDO:0009709, OMIM 255200.

Allele frequency attached by ClinVar (database versions not stated): gnomAD exomes 0.00004 and 0.00003; gnomAD 0.00009; TOPMed 0.00006.
gnomAD v4.1: 52 of 1,551,222 alleles (0.0034%); highest among the groups gnomAD compares: Admixed American, 0.014%; no homozygotes.

Submission:

Labcorp Genetics (formerly Invitae), Labcorp
Classification: Uncertain significance for Myopathy, centronuclear, 2. Last evaluated: 2025-12-03. Review status: criteria provided, single submitter. Criteria: Invitae Variant Classification Sherloc (09022015). Collection method: clinical testing. Allele origin: germline.
Comment: This sequence change replaces threonine, which is neutral and polar, with methionine, which is neutral and non-polar, at codon 409 of the BIN1 protein (p.Thr409Met). This variant is present in population databases (rs754678339, gnomAD 0.02%). This variant has not been reported in the literature in individuals affected with BIN1-related conditions. ClinVar contains an entry for this variant (Variation ID: 1395800). An algorithm developed to predict the effect of missense changes on protein structure and function (PolyPhen-2) suggests that this variant is likely to be disruptive. In summary, the available evidence is currently insufficient to determine the role of this variant in disease. Therefore, it has been classified as a Variant of Uncertain Significance.